The following is an entry in ClinVar:

NM_024757.5(EHMT1):c.3259-1G>A

Gene: EHMT1 (euchromatic histone lysine methyltransferase 1; plus strand). Cytogenetic location: 9q34.3.
Variant type: single nucleotide variant.
Coding change: c.3259-1G>A on transcript NM_024757.5 (MANE Select); the canonical splice acceptor site of the intron before coding-DNA position 3259, G replaced by A.
Molecular consequence: splice acceptor variant.
Genome position (GRCh38, 1-based): chr9:137,815,946, G>A. VCF-style: chr9-137815946-G-A. GRCh37 (hg19) VCF-style: chr9-140710398-G-A.
Other names: c.3238-1G>A (NM_001354263.2).
Identifiers: ClinVar variation 489352 (VCV000489352.7), dbSNP rs1554897763, ClinGen allele CA375796025.
Genomic context (GRCh38, chr9:137,815,946, plus strand): 5'-TGTCAGTTCAATTAAAGAGTGAGTAACCTCTGCTGGGCCCTTGCTGCTCATCTGTCCACA[G>A]GATGGCCGGCTCCTGCCAGAGTTCAACATGGCGGAGCCTCCCTTGATCTTCGAATGCAAC-3'

ClinVar aggregate classification (germline): Pathogenic/Likely pathogenic. Review status: criteria provided, multiple submitters, no conflicts (2 of 4 stars). 2 submissions from 2 submitters: Pathogenic (1); Likely pathogenic (1). Last evaluated 2022-08-23.

Conditions:
Kleefstra syndrome 1 (KLEFS1). Identifiers: Orphanet 261494, MedGen C0795833, MONDO:0027407, OMIM 610253.

Submissions (2):

Labcorp Genetics (formerly Invitae), Labcorp
Classification: Likely pathogenic for Kleefstra syndrome 1. Last evaluated: 2022-08-23. Review status: criteria provided, single submitter. Criteria: Invitae Variant Classification Sherloc (09022015). Collection method: clinical testing. Allele origin: germline.
Comment: In summary, the currently available evidence indicates that the variant is pathogenic, but additional data are needed to prove that conclusively. Therefore, this variant has been classified as Likely Pathogenic. Algorithms developed to predict the effect of sequence changes on RNA splicing suggest that this variant may disrupt the consensus splice site. ClinVar contains an entry for this variant (Variation ID: 489352). This variant has not been reported in the literature in individuals affected with EHMT1-related conditions. This variant is not present in population databases (gnomAD no frequency). This sequence change affects an acceptor splice site in intron 22 of the EHMT1 gene. It is expected to disrupt RNA splicing. Variants that disrupt the donor or acceptor splice site typically lead to a loss of protein function (PMID: 16199547), and loss-of-function variants in EHMT1 are known to be pathogenic (PMID: 16826528, 19264732).

GeneDx
Classification: Pathogenic. Last evaluated: 2018-01-09. Review status: criteria provided, single submitter. Criteria: GeneDx Variant Classification (06012015). Collection method: clinical testing. Allele origin: germline. Affected: yes.
Comment: The c.3259-1 G>A variant in the EHMT1 gene has not been reported previously as a pathogenic variant nor as a benign variant, to our knowledge. This splice site variant destroys the canonical splice acceptor site in intron 22. It is predicted to cause abnormal gene splicing, either leading to an abnormal message that is subject to nonsense-mediated mRNA decay, or to an abnormal protein product if the message is used for protein translation. The c.3259-1 G>A variant is not observed in large population cohorts (Lek et al., 2016).

Literature cited by the submitters: PubMed 16199547 (cited by Labcorp Genetics (formerly Invitae), Labcorp); PubMed 16826528 (cited by Labcorp Genetics (formerly Invitae), Labcorp); PubMed 19264732 (cited by Labcorp Genetics (formerly Invitae), Labcorp).